The following is an entry in ClinVar:

ClinVar aggregate classification (germline): Likely pathogenic (1 of 4 stars; one submission).

Conditions:
Intellectual developmental disorder, autosomal recessive 47. Also called: Intellectual disability, autosomal recessive 47. Identifiers: Orphanet 88616, MedGen C4015444, MONDO:0014524, OMIM 616193.

gnomAD v4.1: 1 of 1,609,064 alleles (0.000062%); highest among the groups gnomAD compares: African/African-American, 0.0013%; no homozygotes.

Submission:

Variantyx, Inc.
Classification: Likely pathogenic for Intellectual developmental disorder, autosomal recessive 47. Last evaluated: 2025-04-26. Review status: criteria provided, single submitter. Criteria: Variantyx Assertion Criteria 2022. Collection method: clinical testing. Allele origin: germline. Inheritance: Autosomal recessive inheritance. Affected: no.
Comment: This is a nonsense variant in the FMN2 gene (OMIM: 606373). Pathogenic variants in this gene have been associated with autosomal recessive intellectual developmental disorder 47. This variant introduces a premature termination codon in exon 12 out of 18 and is expected to result in loss of function, which is a known disease mechanism for FMN2 in this disorder (PMID: 25480035) (PVS1). This variant has a 0.0024% maximum allele frequency in non-founder control populations (PM2). Based on the current evidence, this variant is classified as likely pathogenic for autosomal recessive intellectual developmental disorder 47.

Literature cited by the submitters: PubMed 25480035.

NM_020066.5(FMN2):c.4604T>A (p.Leu1535Ter)

Gene: FMN2 (formin 2; plus strand). Cytogenetic location: 1q43.
Variant type: single nucleotide variant.
Coding change: c.4604T>A on transcript NM_020066.5 (MANE Select); coding-DNA position 4604, T replaced by A.
Protein change: p.Leu1535Ter; replaces leucine 1535 with a stop codon.
Molecular consequence: nonsense.
Genome position (GRCh38, 1-based): chr1:240,333,906, T>A. VCF-style: chr1-240333906-T-A. GRCh37 (hg19) VCF-style: chr1-240497206-T-A.
Other names: c.4616T>A, p.Leu1539Ter (NM_001305424.2); c.2525T>A, p.Leu842Ter (NM_001348094.2); short protein forms L1535*, L1539*, L842*.
Identifiers: ClinVar variation 4813788 (VCV004813788.1).